The following is an entry in ClinVar:

NM_001354930.2(RIPK1):c.1706_1707delinsTC (p.Ala569Val)

Gene: RIPK1 (receptor interacting serine/threonine kinase 1; plus strand). Cytogenetic location: 6p25.2.
Variant type: Indel.
Coding change: c.1706_1707delinsTC on transcript NM_001354930.2 (MANE Select); coding-DNA positions 1706 to 1707, CT replaced by TC.
Protein change: p.Ala569Val; replaces alanine 569 with valine.
Molecular consequence: missense variant.
Genome position (GRCh38, 1-based): chr6:3,110,932-3,110,933, CT replaced by TC. VCF-style: chr6-3110932-CT-TC. GRCh37 (hg19) VCF-style: chr6-3111166-CT-TC.
Other names: c.1217_1218delinsTC, p.Ala406Val (NM_001317061.3, NM_001354932.2, NM_001354933.2 and 1 more transcripts); c.1568_1569delinsTC, p.Ala523Val (NM_001354931.2); c.1706_1707delinsTC, p.Ala569Val (NM_003804.6); short protein forms A406V, A523V, A569V.
Identifiers: ClinVar variation 1166474 (VCV001166474.10), dbSNP rs2113716822, ClinGen allele CA2499218198.

ClinVar aggregate classification (germline): Benign/Likely benign. Review status: criteria provided, multiple submitters, no conflicts (2 of 4 stars). 2 submissions from 2 submitters: Benign (1); Likely benign (1). Last evaluated 2026-02-03.

Submissions (2):

Labcorp Genetics (formerly Invitae), Labcorp
Classification: Benign. Last evaluated: 2026-02-03. Review status: criteria provided, single submitter. Criteria: Invitae Variant Classification Sherloc (09022015). Collection method: clinical testing. Allele origin: germline.

Women's Health and Genetics/Laboratory Corporation of America, LabCorp
Classification: Likely benign. Last evaluated: 2026-01-29. Review status: criteria provided, single submitter. Criteria: LabCorp Variant Classification Summary - May 2015. Collection method: clinical testing. Allele origin: germline.
Comment: Variant summary: RIPK1 c.1706_1707delinsTC (p.Ala569Val) results in a non-conservative amino acid change in the encoded protein sequence. Algorithms developed to predict the effect of missense changes on protein structure and function are either unavailable or do not agree on the potential impact of this missense change. The variant allele is estimated to be found at a frequency of 0.017 in 281902 control chromosomes in the gnomAD database, including 64 homozygotes, based on the prevalence of 2 adjacent SNVs with similar frequencies. The observed variant frequency exceeds the estimated maximal expected allele frequency for disease-causing variants in RIPK1. To our knowledge, no occurrence of c.1706_1707delinsTC in individuals affected with RIPK1-related conditions and no experimental evidence demonstrating its impact on protein function have been reported. ClinVar contains an entry for this variant (Variation ID: 1166474). Based on the evidence outlined above, the variant was classified as likely benign.

Literature cited by the submitters: PubMed 33259900 (cited by Women's Health and Genetics/Laboratory Corporation of America, LabCorp); PubMed 32466509 (cited by Women's Health and Genetics/Laboratory Corporation of America, LabCorp); PubMed 23780909 (cited by Women's Health and Genetics/Laboratory Corporation of America, LabCorp).